The following is an entry in ClinVar:

NM_025099.6(CTC1):c.3113A>G (p.Gln1038Arg)

Gene: CTC1 (CST telomere replication complex component 1; minus strand). Cytogenetic location: 17p13.1.
Variant type: single nucleotide variant.
Coding change: c.3113A>G on transcript NM_025099.6 (MANE Select); coding-DNA position 3113, A replaced by G.
Protein change: p.Gln1038Arg; replaces glutamine 1038 with arginine.
Molecular consequence: missense variant. On other transcripts: non-coding transcript variant (1).
Genome position (GRCh38, 1-based): chr17:8,229,345, T>C on the plus strand (A>G on the coding strand, the complement: CTC1 is on the minus strand). VCF-style: chr17-8229345-T-C. GRCh37 (hg19) VCF-style: chr17-8132663-T-C.
Other names: short protein forms Q1038R.
Identifiers: ClinVar variation 1431138 (VCV001431138.6), dbSNP rs1486092046, ClinGen allele CA397971724.

ClinVar aggregate classification (germline): Uncertain significance (1 of 4 stars; one submission).

Conditions:
Dyskeratosis congenita. Identifiers: Orphanet 1775, MedGen C0265965, MONDO:0015780.

Allele frequency attached by ClinVar (database versions not stated): TOPMed below 0.00001; gnomAD 0.00001.

Submission:

Labcorp Genetics (formerly Invitae), Labcorp
Classification: Uncertain significance for Dyskeratosis congenita. Last evaluated: 2023-12-18. Review status: criteria provided, single submitter. Criteria: Invitae Variant Classification Sherloc (09022015). Collection method: clinical testing. Allele origin: germline.
Comment: This sequence change replaces glutamine, which is neutral and polar, with arginine, which is basic and polar, at codon 1038 of the CTC1 protein (p.Gln1038Arg). This variant is present in population databases (no rsID available, gnomAD 0.0009%). This variant has not been reported in the literature in individuals affected with CTC1-related conditions. ClinVar contains an entry for this variant (Variation ID: 1431138). Advanced modeling of protein sequence and biophysical properties (such as structural, functional, and spatial information, amino acid conservation, physicochemical variation, residue mobility, and thermodynamic stability) has been performed at Invitae for this missense variant, however the output from this modeling did not meet the statistical confidence thresholds required to predict the impact of this variant on CTC1 protein function. In summary, the available evidence is currently insufficient to determine the role of this variant in disease. Therefore, it has been classified as a Variant of Uncertain Significance.